The following is an entry in ClinVar:

ClinVar aggregate classification (germline): Pathogenic/Likely pathogenic. Review status: criteria provided, multiple submitters, no conflicts (2 of 4 stars). 2 submissions from 2 submitters: Pathogenic (1); Likely pathogenic (1). Last evaluated 2023-08-03.

Allele frequency attached by ClinVar (database versions not stated): TOPMed below 0.00001; gnomAD exomes 0.00001.

Submissions (2):

Labcorp Genetics (formerly Invitae), Labcorp
Classification: Pathogenic. Last evaluated: 2023-08-03. Review status: criteria provided, single submitter. Criteria: Invitae Variant Classification Sherloc (09022015). Collection method: clinical testing. Allele origin: germline.
Comment: This variant has not been reported in the literature in individuals affected with TTLL5-related conditions. This variant is not present in population databases (gnomAD no frequency). This sequence change creates a premature translational stop signal (p.Gly1115Ilefs*41) in the TTLL5 gene. It is expected to result in an absent or disrupted protein product. Loss-of-function variants in TTLL5 are known to be pathogenic (PMID: 24791901, 27162334). ClinVar contains an entry for this variant (Variation ID: 817683). For these reasons, this variant has been classified as Pathogenic.

GeneDx
Classification: Likely pathogenic. Last evaluated: 2018-06-07. Review status: criteria provided, single submitter. Criteria: GeneDx Variant Classification (06012015). Collection method: clinical testing. Allele origin: germline. Affected: yes.
Comment: The c.3339_3340delAG variant in the TTLL5 gene has not been reported previously as a pathogenic variant nor as a benign variant, to our knowledge. The c.3339_3340delAG variant causes a frameshift starting with codon Glycine 1115, changes this amino acid to an Isoleucine residue, and creates a premature Stop codon at position 41 of the new reading frame, denoted p.Gly1115IlefsX41. This variant is predicted to cause loss of normal protein function either through protein truncation or nonsense-mediated mRNA decay. The c.3339_3340delAG variant is not observed in large population cohorts (Lek et al., 2016). We interpret c.3339_3340delAG as a likely pathogenic variant.

Literature cited by the submitters: PubMed 24791901 (cited by Labcorp Genetics (formerly Invitae), Labcorp); PubMed 27162334 (cited by Labcorp Genetics (formerly Invitae), Labcorp).

NM_015072.5(TTLL5):c.3339_3340del (p.Gly1115fs)

Gene: TTLL5 (tubulin tyrosine ligase like 5; plus strand). Cytogenetic location: 14q24.3.
Variant type: Deletion.
Coding change: c.3339_3340del on transcript NM_015072.5 (MANE Select); coding-DNA positions 3339 to 3340, 2 bases deleted (AG; older notation c.3339_3340delAG).
Protein change: p.Gly1115fs; shifts the reading frame from glycine 1115.
Molecular consequence: frameshift variant.
Genome position (GRCh38, 1-based): chr14:75,863,679-75,863,680, AG deleted. VCF-style (leftmost placement, unchanged base first): chr14-75863678-CAG-C. GRCh37 (hg19) VCF-style: chr14-76330021-CAG-C.
Other names: short protein forms G1115fs.
Identifiers: ClinVar variation 817683 (VCV000817683.5), dbSNP rs1595168879, ClinGen allele CA915946328.